The following is an entry in ClinVar:

ClinVar aggregate classification (germline): Uncertain significance. Review status: criteria provided, multiple submitters, no conflicts (2 of 4 stars). 2 submissions from 2 submitters: Uncertain significance (2). Last evaluated 2024-07-22.

Conditions:
Fanconi anemia (FA). Also called: Fanconi's anemia. Identifiers: Orphanet 84, MedGen C0015625, MeSH D005199, MONDO:0019391.
Fanconi anemia complementation group P. Also called: SLX4-Related Fanconi Anemia. Identifiers: Orphanet 84, MedGen C3469542, MONDO:0013499, OMIM 613951.

Allele frequency attached by ClinVar (database versions not stated): gnomAD exomes 0.00001 and 0.00004; gnomAD 0.00005; ExAC 0.00006; TOPMed 0.00006; ESP Exome Variant Server 0.00015; 1000 Genomes Project 0.00020; 1000 Genomes Project 30x 0.00031.
gnomAD v4.1: 17 of 1,614,130 alleles (0.0011%); highest among the groups gnomAD compares: African/African-American, 0.019%; no homozygotes.

Submissions (2):

Labcorp Genetics (formerly Invitae), Labcorp
Classification: Uncertain significance for Fanconi anemia. Last evaluated: 2024-07-22. Review status: criteria provided, single submitter. Criteria: Invitae Variant Classification Sherloc (09022015). Collection method: clinical testing. Allele origin: germline.
Comment: This sequence change replaces alanine, which is neutral and non-polar, with valine, which is neutral and non-polar, at codon 871 of the SLX4 protein (p.Ala871Val). This variant is present in population databases (rs138259798, gnomAD 0.04%). This variant has not been reported in the literature in individuals affected with SLX4-related conditions. ClinVar contains an entry for this variant (Variation ID: 855923). An algorithm developed to predict the effect of missense changes on protein structure and function outputs the following: PolyPhen-2: "Benign". The valine amino acid residue is found in multiple mammalian species, which suggests that this missense change does not adversely affect protein function. In summary, the available evidence is currently insufficient to determine the role of this variant in disease. Therefore, it has been classified as a Variant of Uncertain Significance.

Fulgent Genetics
Classification: Uncertain significance for Fanconi anemia complementation group P. Last evaluated: 2024-06-19. Review status: criteria provided, single submitter. Criteria: ACMG Guidelines, 2015. Collection method: clinical testing. Allele origin: germline.

NM_032444.4(SLX4):c.2612C>T (p.Ala871Val)

Gene: SLX4 (SLX4 structure-specific endonuclease subunit; minus strand). Cytogenetic location: 16p13.3.
Variant type: single nucleotide variant.
Coding change: c.2612C>T on transcript NM_032444.4 (MANE Select); coding-DNA position 2612, C replaced by T.
Protein change: p.Ala871Val; replaces alanine 871 with valine.
Molecular consequence: missense variant.
Genome position (GRCh38, 1-based): chr16:3,591,026, G>A on the plus strand (C>T on the coding strand, the complement: SLX4 is on the minus strand). VCF-style: chr16-3591026-G-A. GRCh37 (hg19) VCF-style: chr16-3641027-G-A.
Other names: short protein forms A871V.
Identifiers: ClinVar variation 855923 (VCV000855923.10), dbSNP rs138259798, ClinGen allele CA7866121.